The following is an entry in ClinVar:

ClinVar aggregate classification (germline): Pathogenic (1 of 4 stars; one submission).

Conditions:
Hawkinsinuria. Identifiers: Orphanet 2118, MedGen C2931042, MONDO:0007700, OMIM 140350, HP:0034457.
Tyrosinemia type III. Also called: Tyrosinemia type 3; 4-alpha hydroxyphenylpyruvic acid oxidase deficiency; 4-alpha hydroxyphenylpyruvate dioxygenase deficiency; 4-Hydroxyphenylpyruvate dioxygenase deficiency; 4-HYDROXYPHENYLPYRUVIC ACID OXIDASE DEFICIENCY. Identifiers: Orphanet 69723, MedGen C0268623, MONDO:0010162, OMIM 276710.

Submission:

Labcorp Genetics (formerly Invitae), Labcorp
Classification: Pathogenic for Tyrosinemia type III; Hawkinsinuria. Last evaluated: 2022-04-19. Review status: criteria provided, single submitter. Criteria: Invitae Variant Classification Sherloc (09022015). Collection method: clinical testing. Allele origin: germline.
Comment: This sequence change creates a premature translational stop signal (p.Gln31*) in the HPD gene. It is expected to result in an absent or disrupted protein product. Loss-of-function variants in HPD are known to be pathogenic (PMID: 10942115, 23036342). This variant is not present in population databases (gnomAD no frequency). This variant has not been reported in the literature in individuals affected with HPD-related conditions. Algorithms developed to predict the effect of sequence changes on RNA splicing suggest that this variant may disrupt the consensus splice site. For these reasons, this variant has been classified as Pathogenic.

Literature cited by the submitters: PubMed 10942115; PubMed 23036342.

NM_002150.3(HPD):c.91C>T (p.Gln31Ter)

Genes: HPD (4-hydroxyphenylpyruvate dioxygenase; minus strand), TIALD (transcript inducer of AURKA lysosomal degradation; plus strand). Cytogenetic location: 12q24.31.
Variant type: single nucleotide variant.
Coding change: c.91C>T on transcript NM_002150.3 (MANE Select); coding-DNA position 91, C replaced by T.
Protein change: p.Gln31Ter; replaces glutamine 31 with a stop codon.
Molecular consequence: nonsense. On other transcripts: 5 prime UTR variant (1).
Genome position (GRCh38, 1-based): chr12:121,857,759, G>A on the plus strand (C>T on the coding strand, the complement: HPD is on the minus strand). VCF-style: chr12-121857759-G-A. GRCh37 (hg19) VCF-style: chr12-122295665-G-A.
Other names: c.-27C>T (NM_001171993.2); short protein forms Q31*.
Identifiers: ClinVar variation 2128171 (VCV002128171.4), dbSNP rs2500329137, ClinGen allele CA387002533.